The following is an entry in ClinVar:

ClinVar aggregate classification (germline): Uncertain significance (1 of 4 stars; one submission).

Conditions:
Deafness-lymphedema-leukemia syndrome. Also called: Lymphedema, primary, with myelodysplasia; Emberger syndrome. Identifiers: Orphanet 3226, MedGen C3279664, MONDO:0013540, OMIM 614038.
Monocytopenia with susceptibility to infections. Also called: MONOCYTOPENIA AND MYCOBACTERIAL INFECTION SYNDROME; MONOCYTOPENIA WITH SUSCEPTIBILITY TO MYCOBACTERIAL, FUNGAL, AND PAPILLOMAVIRUS INFECTIONS AND MYELODYSPLASIA; COMBINED IMMUNODEFICIENCY WITH SUSCEPTIBILITY TO MYCOBACTERIAL, VIRAL, AND FUNGAL INFECTIONS; Dendritic cell, monocyte, B lymphocyte, and natural killer lymphocyte deficiency; GATA2 DEFICIENCY; IMMUNODEFICIENCY 21. Identifiers: Orphanet 228423, MedGen C3280030, MONDO:0013607, OMIM 614172.

Submission:

Labcorp Genetics (formerly Invitae), Labcorp
Classification: Uncertain significance for Monocytopenia with susceptibility to infections; Deafness-lymphedema-leukemia syndrome. Last evaluated: 2021-01-08. Review status: criteria provided, single submitter. Criteria: Invitae Variant Classification Sherloc (09022015). Collection method: clinical testing. Allele origin: germline.
Comment: In summary, the available evidence is currently insufficient to determine the role of this variant in disease. Therefore, it has been classified as a Variant of Uncertain Significance. Algorithms developed to predict the effect of sequence changes on RNA splicing suggest that this variant may create or strengthen a splice site, but this prediction has not been confirmed by published transcriptional studies. Advanced modeling of protein sequence and biophysical properties (such as structural, functional, and spatial information, amino acid conservation, physicochemical variation, residue mobility, and thermodynamic stability) performed at Invitae indicates that this missense variant is not expected to disrupt GATA2 protein function. This variant has not been reported in the literature in individuals with GATA2-related conditions. This variant is not present in population databases (ExAC no frequency). This sequence change replaces glycine with valine at codon 200 of the GATA2 protein (p.Gly200Val). The glycine residue is weakly conserved and there is a moderate physicochemical difference between glycine and valine.

NM_032638.5(GATA2):c.599G>T (p.Gly200Val)

Gene: GATA2 (GATA binding protein 2; minus strand). Cytogenetic location: 3q21.3.
Variant type: single nucleotide variant.
Coding change: c.599G>T on transcript NM_032638.5 (MANE Select); coding-DNA position 599, G replaced by T.
Protein change: p.Gly200Val; replaces glycine 200 with valine.
Molecular consequence: missense variant.
Genome position (GRCh38, 1-based): chr3:128,485,999, C>A on the plus strand (G>T on the coding strand, the complement: GATA2 is on the minus strand). VCF-style: chr3-128485999-C-A. GRCh37 (hg19) VCF-style: chr3-128204842-C-A.
Other names: c.599G>T, p.Gly200Val (NM_001145661.2, NM_001145662.1); short protein forms G200V.
Identifiers: ClinVar variation 1470623 (VCV001470623.8), dbSNP rs373477245, ClinGen allele CA354406444.
Genomic context (GRCh38, chr3:128,485,999, plus strand): 5'-CTCTCCGTCAGTGACACCTGGTACTTGACGCCGTCCTTGTCCTCTCCTCGGGCTGCACTA[C>A]CCCCCGCGGAAGATGAGGCTGGAGACGCAGCCCCCGTGGTGCTAGGGTCAGGAGACACTT-3'
Protein context (NP_116027.2, residues 190-210): AASPASSSAG[Gly200Val]SAARGEDKDG